The following is an entry in ClinVar:

NM_005477.3(HCN4):c.1656C>T (p.His552=)

Gene: HCN4 (hyperpolarization activated cyclic nucleotide gated potassium channel 4; minus strand). Cytogenetic location: 15q24.1.
Variant type: single nucleotide variant.
Coding change: c.1656C>T on transcript NM_005477.3 (MANE Select); coding-DNA position 1656, C replaced by T.
Protein change: p.His552=; no amino-acid change (histidine 552 retained).
Molecular consequence: synonymous variant.
Genome position (GRCh38, 1-based): chr15:73,325,379, G>A on the plus strand (C>T on the coding strand, the complement: HCN4 is on the minus strand). VCF-style: chr15-73325379-G-A. GRCh37 (hg19) VCF-style: chr15-73617720-G-A.
Other names: p.His552=.
Identifiers: ClinVar variation 518869 (VCV000518869.31), dbSNP rs148142070, ClinGen allele CA7649237.
Genomic context (GRCh38, chr15:73,325,379, plus strand): 5'-CTCGCCCAGGATGCTCTCCTCGTCGAACATCTTGCCCTGGTAGCGGTGCTCGTAGTAGTC[G>A]TGGATGCGCTGCCGGGTGTCGGGCGGGAGCTTGTGAAAGGACATGTACTGCTCCACCTGC-3'
Protein context (NP_005468.1, residues 542-562): KLPPDTRQRI[His552=]DYYEHRYQGK

ClinVar aggregate classification (germline): Benign/Likely benign. Review status: criteria provided, multiple submitters, no conflicts (2 of 4 stars). 12 submissions from 12 submitters: Benign (2); Likely benign (6). 4 of the submissions do not count toward it. Last evaluated 2026-03-02.

Conditions:
Cardiovascular phenotype. Identifiers: MedGen CN230736.
Brugada syndrome 8 (BRGDA8). Identifiers: Orphanet 130, MedGen C2751083, MONDO:0013148, OMIM 613123.

Allele frequency attached by ClinVar (database versions not stated): TOPMed 0.00029; 1000 Genomes Project 30x 0.00031; ESP Exome Variant Server 0.00038; gnomAD exomes 0.00045 and 0.00022; ExAC 0.00018; 1000 Genomes Project 0.00020; gnomAD 0.00027 and 0.00029.
gnomAD v4.1: 696 of 1,614,116 alleles (0.043%); highest among the groups gnomAD compares: Non-Finnish European, 0.053%; no homozygotes.

Submissions (12):

Women's Health and Genetics/Laboratory Corporation of America, LabCorp
Classification: Benign. Last evaluated: 2026-03-02. Review status: criteria provided, single submitter. Criteria: LabCorp Variant Classification Summary - May 2015. Collection method: clinical testing. Allele origin: germline.

Labcorp Genetics (formerly Invitae), Labcorp
Classification: Likely benign for Brugada syndrome 8. Last evaluated: 2026-01-15. Review status: criteria provided, single submitter. Criteria: Invitae Variant Classification Sherloc (09022015). Collection method: clinical testing. Allele origin: germline.

Mayo Clinic Laboratories, Mayo Clinic
Classification: Likely benign. Last evaluated: 2025-08-08. Review status: criteria provided, single submitter. Criteria: ACMG Guidelines, 2015. Collection method: clinical testing. Allele origin: germline. Observed: 1 variant allele.
Comment: BP4, BP7

Molecular Diagnostic Laboratory for Inherited Cardiovascular Disease, Montreal Heart Institute
Classification: Likely benign. Last evaluated: 2025-04-09. Review status: criteria provided, single submitter. Criteria: ACMG Guidelines, 2015. Collection method: clinical testing. Allele origin: germline. Affected: no.

Blueprint Genetics
Classification: Likely benign. Last evaluated: 2024-10-22. Review status: criteria provided, single submitter. Criteria: ACMG Guidelines, 2015. Collection method: clinical testing. Allele origin: germline.

GeneDx
Classification: Likely benign. Last evaluated: 2020-12-07. Review status: criteria provided, single submitter. Criteria: GeneDx Variant Classification Process June 2021. Collection method: clinical testing. Allele origin: germline. Affected: yes.

Athena Diagnostics
Classification: Benign. Last evaluated: 2020-08-20. Review status: criteria provided, single submitter. Criteria: Athena Diagnostics Criteria. Collection method: clinical testing. Allele origin: unknown.

Ambry Genetics
Classification: Likely benign for Cardiovascular phenotype. Last evaluated: 2016-12-07. Review status: criteria provided, single submitter. Criteria: Ambry Variant Classification Scheme 2023. Collection method: clinical testing. Allele origin: germline.

Clinical Genetics DNA and cytogenetics Diagnostics Lab, Erasmus MC, Erasmus Medical Center
Classification: Likely benign. Review status: no assertion criteria provided. Collection method: clinical testing. Allele origin: germline. Affected: yes. Study: VKGL Data-share Consensus. Not counted in ClinVar's aggregate classification.

Clinical Genetics, Academic Medical Center
Classification: Benign. Review status: no assertion criteria provided. Collection method: clinical testing. Allele origin: germline. Affected: yes. Study: VKGL Data-share Consensus. Not counted in ClinVar's aggregate classification.

Diagnostic Laboratory, Department of Genetics, University Medical Center Groningen
Classification: Likely benign. Review status: no assertion criteria provided. Collection method: clinical testing. Allele origin: germline. Affected: yes. Study: VKGL Data-share Consensus. Not counted in ClinVar's aggregate classification.

Joint Genome Diagnostic Labs from Nijmegen and Maastricht, Radboudumc and MUMC+
Classification: Likely benign. Review status: no assertion criteria provided. Collection method: clinical testing. Allele origin: germline. Affected: yes. Study: VKGL Data-share Consensus. Not counted in ClinVar's aggregate classification.